The following is an entry in ClinVar:

ClinVar aggregate classification (germline): Pathogenic/Likely pathogenic. Review status: criteria provided, multiple submitters, no conflicts (2 of 4 stars). 2 submissions from 2 submitters: Pathogenic (1); Likely pathogenic (1). Last evaluated 2023-08-28.

Conditions:
Familial focal epilepsy with variable foci (FPEVF). Identifiers: Orphanet 98820, MedGen C1858477, MONDO:0020310.

Allele frequency attached by ClinVar (database versions not stated): gnomAD exomes below 0.00001.
gnomAD v4.1: 2 of 1,613,432 alleles (0.00012%); highest among the groups gnomAD compares: Non-Finnish European, 0.00017%; no homozygotes.

Submissions (3):

GeneDx
Classification: Likely pathogenic. Last evaluated: 2023-08-28. Review status: criteria provided, single submitter. Criteria: GeneDx Variant Classification Process June 2021. Collection method: clinical testing. Allele origin: germline. Affected: yes.
Comment: Identified in multiple individuals from the same family with familial focal epilepsy with variable foci, however the variant was also identified in two unaffected family members (PMID: 31225799); Canonical splice site variant predicted to result in an in-frame loss of the adjacent exon in a gene for which loss of function is a known mechanism of disease; Not observed at significant frequency in large population cohorts (gnomAD); This variant is associated with the following publications: (PMID: 23542697, 23542701, 34239491, 31440721, 34693554, 31225799)

Labcorp Genetics (formerly Invitae), Labcorp
Classification: Pathogenic for Familial focal epilepsy with variable foci. Last evaluated: 2022-10-30. Review status: criteria provided, single submitter. Criteria: Invitae Variant Classification Sherloc (09022015). Collection method: clinical testing. Allele origin: germline.
Comment: For these reasons, this variant has been classified as Pathogenic. Algorithms developed to predict the effect of sequence changes on RNA splicing suggest that this variant may disrupt the consensus splice site. ClinVar contains an entry for this variant (Variation ID: 534798). Disruption of this splice site has been observed in individuals with clinical features of familial focal epilepsy with variable foci and/or nocturnal frontal lobe epilepsy (PMID: 34239491; Invitae). This variant is not present in population databases (gnomAD no frequency). This sequence change affects an acceptor splice site in intron 5 of the DEPDC5 gene. It is expected to disrupt RNA splicing. Variants that disrupt the donor or acceptor splice site typically lead to a loss of protein function (PMID: 16199547), and loss-of-function variants in DEPDC5 are known to be pathogenic (PMID: 23542697, 23542701).

Dr. Peter K. Rogan Lab, Western University
No classification provided (evidence only). Condition: Melanoma. Review status: no classification provided. Collection method: in vitro. Allele origin: not applicable. Functional consequence: skipped exon. Not counted in ClinVar's aggregate classification.

Literature cited by the submitters: PubMed 34239491 (cited by Labcorp Genetics (formerly Invitae), Labcorp); PubMed 16199547 (cited by Labcorp Genetics (formerly Invitae), Labcorp); PubMed 23542697 (cited by Labcorp Genetics (formerly Invitae), Labcorp); PubMed 23542701 (cited by Labcorp Genetics (formerly Invitae), Labcorp).

NM_001242896.3(DEPDC5):c.280-1G>A

Gene: DEPDC5 (DEP domain containing 5, GATOR1 subcomplex subunit; plus strand). Cytogenetic location: 22q12.2.
Variant type: single nucleotide variant.
Coding change: c.280-1G>A on transcript NM_001242896.3 (MANE Select); the canonical splice acceptor site of the intron before coding-DNA position 280, G replaced by A.
Molecular consequence: splice acceptor variant. On other transcripts: intron variant (2).
Genome position (GRCh38, 1-based): chr22:31,766,584, G>A. VCF-style: chr22-31766584-G-A. GRCh37 (hg19) VCF-style: chr22-32162570-G-A.
Other names: c.280-1G>A (NM_001364318.2, NM_001136029.4, NM_014662.6 and 7 more transcripts); c.279+1524G>A (NM_001369902.1, NM_001369901.1).
Identifiers: ClinVar variation 534798 (VCV000534798.13), dbSNP rs1556526609, ClinGen allele CA411282199.